The following is an entry in ClinVar:

NM_004380.3(CREBBP):c.5361C>T (p.Asn1787=)

Gene: CREBBP (CREB binding lysine acetyltransferase; minus strand). Cytogenetic location: 16p13.3.
Variant type: single nucleotide variant.
Coding change: c.5361C>T on transcript NM_004380.3 (MANE Select); coding-DNA position 5361, C replaced by T.
Protein change: p.Asn1787=; no amino-acid change (asparagine 1787 retained).
Molecular consequence: synonymous variant.
Genome position (GRCh38, 1-based): chr16:3,729,686, G>A on the plus strand (C>T on the coding strand, the complement: CREBBP is on the minus strand). VCF-style: chr16-3729686-G-A. GRCh37 (hg19) VCF-style: chr16-3779687-G-A.
Other names: c.5247C>T, p.Asn1749= (NM_001079846.1).
Identifiers: ClinVar variation 95053 (VCV000095053.47), dbSNP rs375462934, ClinGen allele CA222701.
Genomic context (GRCh38, chr16:3,729,686, plus strand): 5'-GCCCTTGGTGTGCTGCACCACCCGCTTCATCTTCTGGCAGGATGGCAGCGAGCAGTTGGC[G>A]TTGCGGCACTGGCACGCGTGCACCAGCGACTGGATGCAGCGCTGGATGCTCAGCCGGCGT-3'
Protein context (NP_004371.2, residues 1777-1797): QSLVHACQCR[Asn1787=]ANCSLPSCQK

ClinVar aggregate classification (germline): Conflicting classifications of pathogenicity. Review status: criteria provided, conflicting classifications (1 of 4 stars). 5 submissions from 5 submitters: Uncertain significance (1); Benign (1); Likely benign (2). 1 of the submissions does not count toward it. Last evaluated 2023-11-16.

Conditions:
CREBBP-related disorder. Also called: CREBBP-related disorders; CREBBP-related condition.
Rubinstein-Taybi syndrome (RSTS). Identifiers: Orphanet 783, MedGen C0035934, MONDO:0019188.

Allele frequency attached by ClinVar (database versions not stated): gnomAD 0.00006; ESP Exome Variant Server 0.00008; gnomAD exomes 0.00009 and 0.00020; TOPMed 0.00009; ExAC 0.00017.
gnomAD v4.1: 152 of 1,612,942 alleles (0.0094%); highest among the groups gnomAD compares: South Asian, 0.012%; no homozygotes.

Submissions (5):

Blueprint Genetics
Classification: Likely benign. Last evaluated: 2023-11-16. Review status: criteria provided, single submitter. Criteria: ACMG Guidelines, 2015. Collection method: clinical testing. Allele origin: germline.

Labcorp Genetics (formerly Invitae), Labcorp
Classification: Benign for Rubinstein-Taybi syndrome. Last evaluated: 2023-02-13. Review status: criteria provided, single submitter. Criteria: Invitae Variant Classification Sherloc (09022015). Collection method: clinical testing. Allele origin: germline.

CeGaT Center for Human Genetics Tuebingen
Classification: Likely benign. Last evaluated: 2021-04-01. Review status: criteria provided, single submitter. Criteria: CeGaT Center For Human Genetics Tuebingen Variant Classification Criteria Version 2. Collection method: clinical testing. Allele origin: germline. Affected: yes. Observed: 1 variant allele.

Eurofins Ntd Llc (ga)
Classification: Uncertain significance. Last evaluated: 2013-04-30. Review status: criteria provided, single submitter. Criteria: EGL Classification Definitions 2015. Collection method: clinical testing. Allele origin: germline. Observed: 1 variant allele, 1 heterozygote.

PreventionGenetics, part of Exact Sciences
Classification: Likely benign for CREBBP-related condition. Last evaluated: 2021-10-28. Review status: no assertion criteria provided. Collection method: clinical testing. Allele origin: germline. Not counted in ClinVar's aggregate classification.
Comment: This variant is classified as likely benign based on ACMG/AMP sequence variant interpretation guidelines (Richards et al. 2015 PMID: 25741868, with internal and published modifications).